The following is an entry in ClinVar:

NM_004130.4(GYG1):c.143+11C>T

Gene: GYG1 (glycogenin 1; plus strand). Cytogenetic location: 3q24.
Variant type: single nucleotide variant.
Coding change: c.143+11C>T on transcript NM_004130.4 (MANE Select); 11 bases into the intron after coding-DNA position 143, C replaced by T.
Molecular consequence: intron variant.
Genome position (GRCh38, 1-based): chr3:148,994,288, C>T. VCF-style: chr3-148994288-C-T. GRCh37 (hg19) VCF-style: chr3-148712075-C-T.
Other names: c.143+11C>T (NM_001184720.2, NM_001184721.2).
Identifiers: ClinVar variation 385030 (VCV000385030.8), dbSNP rs367745695, ClinGen allele CA2658470.
Genomic context (GRCh38, chr3:148,994,288, plus strand): 5'-ACCAGGAGGCTGGTCGTGCTCGCCACCCCTCAGGTCTCAGACTCCATGAGGTGAGGACCT[C>T]GCTGCCACCCCAGCATCCAAGGGGCTCTGACATCCTTCTCCCTGTTGCTGACATCATTGG-3'

ClinVar aggregate classification (germline): Likely benign. Review status: criteria provided, multiple submitters, no conflicts (2 of 4 stars). 2 submissions from 2 submitters: Likely benign (2). Last evaluated 2025-03-24.

Conditions:
Glycogen storage disease XV (GSD15). Also called: GLYCOGENIN DEFICIENCY; GSD XV. Identifiers: Orphanet 263297, MedGen C3150754, MONDO:0013291, OMIM 613507.
Polyglucosan body myopathy type 2. Identifiers: Orphanet 456369, MedGen C4015452, MONDO:0014526, OMIM 616199.

Allele frequency attached by ClinVar (database versions not stated): gnomAD exomes 0.00001; ExAC 0.00002; gnomAD 0.00005 and 0.00006; TOPMed 0.00005; ESP Exome Variant Server 0.00008.
gnomAD v4.1: 26 of 1,613,602 alleles (0.0016%); highest among the groups gnomAD compares: African/African-American, 0.011%; no homozygotes.

Submissions (2):

Labcorp Genetics (formerly Invitae), Labcorp
Classification: Likely benign for Polyglucosan body myopathy type 2; Glycogen storage disease XV. Last evaluated: 2025-03-24. Review status: criteria provided, single submitter. Criteria: Invitae Variant Classification Sherloc (09022015). Collection method: clinical testing. Allele origin: germline.

GeneDx
Classification: Likely benign. Last evaluated: 2016-04-25. Review status: criteria provided, single submitter. Criteria: GeneDx Variant Classification (06012015). Collection method: clinical testing. Allele origin: germline. Affected: yes.
Comment: This variant is considered likely benign or benign based on one or more of the following criteria: it is a conservative change, it occurs at a poorly conserved position in the protein, it is predicted to be benign by multiple in silico algorithms, and/or has population frequency not consistent with disease.